The following is an entry in ClinVar:

ClinVar aggregate classification (germline): Conflicting classifications of pathogenicity. Review status: criteria provided, conflicting classifications (1 of 4 stars). 2 submissions from 2 submitters: Uncertain significance (1); Likely benign (1). Last evaluated 2025-08-31.

Conditions:
Inborn genetic diseases. Identifiers: MedGen C0950123, MeSH D030342.
Developmental and epileptic encephalopathy, 33 (DEE33). Also called: Epileptic encephalopathy, early infantile, 33. Identifiers: Orphanet 442835, MedGen C4225337, MONDO:0014625, OMIM 616409.

Allele frequency attached by ClinVar (database versions not stated): gnomAD exomes 0.00001 and 0.00002; gnomAD 0.00004; TOPMed 0.00006.
gnomAD v4.1: 22 of 1,548,636 alleles (0.0014%); highest among the groups gnomAD compares: African/African-American, 0.0069%; no homozygotes.

Submissions (2):

Ambry Genetics
Classification: Likely benign for Inborn genetic diseases. Last evaluated: 2025-08-31. Review status: criteria provided, single submitter. Criteria: Ambry Variant Classification Scheme 2023. Collection method: clinical testing. Allele origin: germline.

Labcorp Genetics (formerly Invitae), Labcorp
Classification: Uncertain significance for Developmental and epileptic encephalopathy, 33. Last evaluated: 2025-08-15. Review status: criteria provided, single submitter. Criteria: Invitae Variant Classification Sherloc (09022015). Collection method: clinical testing. Allele origin: germline.
Comment: This sequence change replaces threonine, which is neutral and polar, with methionine, which is neutral and non-polar, at codon 242 of the EEF1A2 protein (p.Thr242Met). The frequency data for this variant in the population databases is considered unreliable, as metrics indicate poor data quality at this position in the gnomAD database. This variant has not been reported in the literature in individuals affected with EEF1A2-related conditions. ClinVar contains an entry for this variant (Variation ID: 1514727). Invitae Evidence Modeling of protein sequence and biophysical properties (such as structural, functional, and spatial information, amino acid conservation, physicochemical variation, residue mobility, and thermodynamic stability) indicates that this missense variant is not expected to disrupt EEF1A2 protein function with a negative predictive value of 80%. In summary, the available evidence is currently insufficient to determine the role of this variant in disease. Therefore, it has been classified as a Variant of Uncertain Significance.

NM_001958.5(EEF1A2):c.725C>T (p.Thr242Met)

Gene: EEF1A2 (eukaryotic translation elongation factor 1 alpha 2; minus strand). Cytogenetic location: 20q13.33.
Variant type: single nucleotide variant.
Coding change: c.725C>T on transcript NM_001958.5 (MANE Select); coding-DNA position 725, C replaced by T.
Protein change: p.Thr242Met; replaces threonine 242 with methionine.
Molecular consequence: missense variant.
Genome position (GRCh38, 1-based): chr20:63,493,184, G>A on the plus strand (C>T on the coding strand, the complement: EEF1A2 is on the minus strand). VCF-style: chr20-63493184-G-A. GRCh37 (hg19) VCF-style: chr20-62124537-G-A.
Other names: c.725C>T (NM_001958.2); short protein forms T242M.
Identifiers: ClinVar variation 1514727 (VCV001514727.12), dbSNP rs752137872, ClinGen allele CA9959042.